The following is an entry in ClinVar:

ClinVar aggregate classification (germline): Benign/Likely benign. Review status: criteria provided, multiple submitters, no conflicts (2 of 4 stars). 3 submissions from 3 submitters: Benign (1); Likely benign (2). Last evaluated 2025-03-04.

Conditions:
Familial adenomatous polyposis 1 (FAP1). Also called: FAMILIAL ADENOMATOUS POLYPOSIS 1, ATTENUATED; POLYPOSIS, ADENOMATOUS INTESTINAL. Identifiers: MedGen C2713442, MONDO:0021056, OMIM 175100. Disease mechanism: loss of function.

Allele frequency attached by ClinVar (database versions not stated): gnomAD 0.00036 and 0.00053; gnomAD exomes 0.00043 and 0.00102; TOPMed 0.00059; ExAC 0.00129; 1000 Genomes Project 30x 0.00250; 1000 Genomes Project 0.00280.
gnomAD v4.1: 724 of 1,557,866 alleles (0.046%); highest among the groups gnomAD compares: East Asian, 1.5%; 5 homozygotes.

Submissions (3):

Center for Genomic Medicine, Rigshospitalet, Copenhagen University Hospital
Classification: Likely benign. Last evaluated: 2025-03-04. Review status: criteria provided, single submitter. Criteria: ACMG Guidelines, 2015. Collection method: clinical testing. Allele origin: germline.

Myriad Genetics, Inc.
Classification: Benign for Familial adenomatous polyposis 1. Last evaluated: 2024-03-08. Review status: criteria provided, single submitter. Criteria: Myriad Autosomal Dominant, Autosomal Recessive and X-Linked Classification Criteria (2023). Collection method: clinical testing. Allele origin: unknown.
Comment: This variant is considered benign. This variant is intronic and is not expected to impact mRNA splicing.

GeneDx
Classification: Likely benign. Last evaluated: 2018-06-21. Review status: criteria provided, single submitter. Criteria: GeneDx Variant Classification Process June 2021. Collection method: clinical testing. Allele origin: germline. Affected: yes.

NM_000038.6(APC):c.1958+33A>G

Gene: APC (APC regulator of Wnt signaling pathway; plus strand). Cytogenetic location: 5q22.2.
Variant type: single nucleotide variant.
Coding change: c.1958+33A>G on transcript NM_000038.6 (MANE Select); 33 bases into the intron after coding-DNA position 1958, A replaced by G.
Molecular consequence: intron variant.
Genome position (GRCh38, 1-based): chr5:112,835,198, A>G. VCF-style: chr5-112835198-A-G. GRCh37 (hg19) VCF-style: chr5-112170895-A-G.
Other names: c.1958+33A>G (NM_001354895.2, NM_001127510.3); c.1988+33A>G (NM_001354897.2); c.1685+33A>G (NM_001354902.2); c.1904+33A>G (NM_001127511.3); c.1883+33A>G (NM_001354898.2); c.1580+33A>G (NM_001354904.2); c.1109+33A>G (NM_001354906.2); c.2012+33A>G (NM_001354896.2); and 5 more.
Identifiers: ClinVar variation 1187146 (VCV001187146.10), dbSNP rs141414393, ClinGen allele CA030142.